The following is an entry in ClinVar:

ClinVar aggregate classification (germline): Uncertain significance. Review status: criteria provided, single submitter (1 of 4 stars). 2 submissions from 2 submitters: Uncertain significance (1). 1 of the submissions does not count toward it. Last evaluated 2024-05-06.

Conditions:
Leigh syndrome (NULS). Also called: Leigh's syndrome; Leigh Syndrome (mtDNA deletion); Leigh Disease; Subacute necrotizing encephalopathy; Necrotizing encephalopathy infantile subacute of Leigh; LEIGH SYNDROME, NUCLEAR. Identifiers: Orphanet 506, MedGen C2931891, MONDO:0009723, OMIM 256000.

Allele frequency attached by ClinVar (database versions not stated): gnomAD 0.00001; gnomAD exomes 0.00001 and 0.00004; TOPMed 0.00003; ExAC 0.00007; 1000 Genomes Project 30x 0.00016; 1000 Genomes Project 0.00020.
gnomAD v4.1: 21 of 1,607,736 alleles (0.0013%); highest among the groups gnomAD compares: East Asian, 0.036%; no homozygotes.

Submissions (2):

Labcorp Genetics (formerly Invitae), Labcorp
Classification: Uncertain significance. Last evaluated: 2024-05-06. Review status: criteria provided, single submitter. Criteria: Invitae Variant Classification Sherloc (09022015). Collection method: clinical testing. Allele origin: germline.
Comment: This sequence change replaces isoleucine, which is neutral and non-polar, with valine, which is neutral and non-polar, at codon 177 of the NDUFAF5 protein (p.Ile177Val). This variant is present in population databases (rs543144225, gnomAD 0.07%). This variant has not been reported in the literature in individuals affected with NDUFAF5-related conditions. ClinVar contains an entry for this variant (Variation ID: 991368). Algorithms developed to predict the effect of missense changes on protein structure and function output the following: SIFT: "Not Available"; PolyPhen-2: "Benign"; Align-GVGD: "Not Available". The valine amino acid residue is found in multiple mammalian species, which suggests that this missense change does not adversely affect protein function. In summary, the available evidence is currently insufficient to determine the role of this variant in disease. Therefore, it has been classified as a Variant of Uncertain Significance.

Natera, Inc.
Classification: Uncertain significance for Leigh syndrome. Last evaluated: 2020-08-13. Review status: no assertion criteria provided. Collection method: clinical testing. Allele origin: germline. Not counted in ClinVar's aggregate classification.

NM_024120.5(NDUFAF5):c.529A>G (p.Ile177Val)

Gene: NDUFAF5 (NADH:ubiquinone oxidoreductase complex assembly factor 5; plus strand). Cytogenetic location: 20p12.1.
Variant type: single nucleotide variant.
Coding change: c.529A>G on transcript NM_024120.5 (MANE Select); coding-DNA position 529, A replaced by G.
Protein change: p.Ile177Val; replaces isoleucine 177 with valine.
Molecular consequence: missense variant. On other transcripts: 5 prime UTR variant (2), non-coding transcript variant (7).
Genome position (GRCh38, 1-based): chr20:13,801,495, A>G. VCF-style: chr20-13801495-A-G. GRCh37 (hg19) VCF-style: chr20-13782141-A-G.
Other names: c.445A>G, p.Ile149Val (NM_001039375.3); c.58A>G, p.Ile20Val (NM_001352403.2); c.-33A>G (NM_001352406.2, NM_001352407.2); c.529A>G, p.Ile177Val (NM_001352408.2); short protein forms I149V, I177V, I20V.
Identifiers: ClinVar variation 991368 (VCV000991368.5), dbSNP rs543144225, ClinGen allele CA9767804.